The following is an entry in ClinVar:

NM_005591.4(MRE11):c.1258A>G (p.Lys420Glu)

Gene: MRE11 (MRE11 double strand break repair nuclease; minus strand). Cytogenetic location: 11q21.
Variant type: single nucleotide variant.
Coding change: c.1258A>G on transcript NM_005591.4 (MANE Select); coding-DNA position 1258, A replaced by G.
Protein change: p.Lys420Glu; replaces lysine 420 with glutamic acid.
Molecular consequence: missense variant.
Genome position (GRCh38, 1-based): chr11:94,461,004, T>C on the plus strand (A>G on the coding strand, the complement: MRE11 is on the minus strand). VCF-style: chr11-94461004-T-C. GRCh37 (hg19) VCF-style: chr11-94194170-T-C.
Other names: c.1258A>G, p.Lys420Glu (NM_001330347.2, NM_005590.4); short protein forms K420E.
Identifiers: ClinVar variation 1800091 (VCV001800091.2), dbSNP rs2496400313, ClinGen allele CA382372412.
Genomic context (GRCh38, chr11:94,461,004, plus strand): 5'-CGGTTTGAAAGTACTGTTTTACAAGATCTTCTACCCTTAAAGTTGTTCCTTCTGAAGGCT[T>C]TGTGATAAGTTTCCCAAAGTTGATCTCTTCTCCTAGAAAAAAAGAAGTATATCAAAAAAT-3'
Protein context (NP_005582.1, residues 410-430): EEINFGKLIT[Lys420Glu]PSEGTTLRVE

ClinVar aggregate classification (germline): Uncertain significance (1 of 4 stars; one submission).

Conditions:
Hereditary cancer-predisposing syndrome. Also called: Neoplastic Syndromes, Hereditary; Tumor predisposition; Hereditary Cancer Syndrome; Hereditary neoplastic syndrome. Identifiers: Orphanet 140162, MedGen C0027672, MeSH D009386, MONDO:0015356.

Submission:

Ambry Genetics
Classification: Uncertain significance for Hereditary cancer-predisposing syndrome. Last evaluated: 2020-10-21. Review status: criteria provided, single submitter. Criteria: Ambry Variant Classification Scheme 2023. Collection method: clinical testing. Allele origin: germline.
Comment: The p.K420E variant (also known as c.1258A>G), located in coding exon 11 of the MRE11A gene, results from an A to G substitution at nucleotide position 1258. The lysine at codon 420 is replaced by glutamic acid, an amino acid with similar properties. This amino acid position is not well conserved in available vertebrate species. In addition, this alteration is predicted to be tolerated by in silico analysis. Since supporting evidence is limited at this time, the clinical significance of this alteration remains unclear.